The following is an entry in ClinVar:

ClinVar aggregate classification (germline): Pathogenic (1 of 4 stars; one submission).

Submission:

Labcorp Genetics (formerly Invitae), Labcorp
Classification: Pathogenic. Last evaluated: 2023-08-30. Review status: criteria provided, single submitter. Criteria: Invitae Variant Classification Sherloc (09022015). Collection method: clinical testing. Allele origin: germline.
Comment: This sequence change creates a premature translational stop signal (p.Asn116*) in the ABCB11 gene. It is expected to result in an absent or disrupted protein product. Loss-of-function variants in ABCB11 are known to be pathogenic (PMID: 18395098, 20232290). This variant is not present in population databases (gnomAD no frequency). This variant has not been reported in the literature in individuals affected with ABCB11-related conditions. For these reasons, this variant has been classified as Pathogenic.

Literature cited by the submitters: PubMed 18395098; PubMed 20232290.

NM_003742.4(ABCB11):c.345_346insTG (p.Asn116Ter)

Gene: ABCB11 (ATP binding cassette subfamily B member 11; minus strand). Cytogenetic location: 2q31.1.
Variant type: Insertion.
Coding change: c.345_346insTG on transcript NM_003742.4 (MANE Select); coding-DNA positions 345 to 346, TG inserted.
Protein change: p.Asn116Ter; replaces asparagine 116 with a stop codon.
Molecular consequence: nonsense.
Genome position: GRCh38 VCF-style: chr2-169013315-T-TCA. GRCh37 (hg19) VCF-style: chr2-169869825-T-TCA.
Other names: short protein forms N116*.
Identifiers: ClinVar variation 2756527 (VCV002756527.3), dbSNP rs2545484647, ClinGen allele CA2697551377.